The following is an entry in ClinVar:

NM_000051.4(ATM):c.7437del (p.Glu2479fs)

Genes: ATM (ATM serine/threonine kinase; plus strand), C11orf65 (chromosome 11 open reading frame 65; minus strand). Cytogenetic location: 11q22.3.
Variant type: Deletion.
Coding change: c.7437del on transcript NM_000051.4 (MANE Select); coding-DNA position 7437, one base deleted (A; older notation c.7437delA).
Protein change: p.Glu2479fs; shifts the reading frame from glutamic acid 2479.
Molecular consequence: frameshift variant. On other transcripts: intron variant (2).
Genome position (GRCh38, 1-based): chr11:108,330,343, A deleted; the last of 2 consecutive A bases (chr11:108,330,342-108,330,343); deleting either gives the same sequence. VCF-style (leftmost placement, unchanged base first): chr11-108330341-GA-G. GRCh37 (hg19) VCF-style: chr11-108201068-GA-G.
Other names: c.7437del, p.Glu2479fs (NM_001351834.2); c.641-21271del (NM_001330368.2); c.*38+4878del (NM_001351110.2); short protein forms E2479fs.
Identifiers: ClinVar variation 2026948 (VCV002026948.5), dbSNP rs2547263135, ClinGen allele CA2580083363.

ClinVar aggregate classification (germline): Pathogenic. Review status: criteria provided, multiple submitters, no conflicts (2 of 4 stars). 2 submissions from 2 submitters: Pathogenic (2). Last evaluated 2024-01-31.

Conditions:
Familial cancer of breast. Also called: BREAST CANCER, FAMILIAL; Hereditary breast cancer; hereditary breast carcinoma. Identifiers: Orphanet 227535, MedGen C0346153, MONDO:0016419, OMIM 114480. Disease mechanism: loss of function.
Ataxia-telangiectasia syndrome (AT). Also called: Ataxia-telangiectasia, complementation group D; AT, COMPLEMENTATION GROUP C; ATAXIA-TELANGIECTASIA, COMPLEMENTATION GROUP A; ATAXIA-TELANGIECTASIA, FRESNO VARIANT; Ataxia-telangiectasia, complementation group E; LOUIS-BAR SYNDROME. Identifiers: Orphanet 100, MedGen C0004135, MONDO:0008840, OMIM 208900.

Submissions (2):

Myriad Genetics, Inc.
Classification: Pathogenic for Familial cancer of breast. Last evaluated: 2024-01-31. Review status: criteria provided, single submitter. Criteria: Myriad Autosomal Dominant, Autosomal Recessive and X-Linked Classification Criteria (2023). Collection method: clinical testing. Allele origin: unknown.
Comment: This variant is considered pathogenic. This variant creates a frameshift predicted to result in premature protein truncation.

Labcorp Genetics (formerly Invitae), Labcorp
Classification: Pathogenic for Ataxia-telangiectasia syndrome. Last evaluated: 2023-11-18. Review status: criteria provided, single submitter. Criteria: Invitae Variant Classification Sherloc (09022015). Collection method: clinical testing. Allele origin: germline.
Comment: This sequence change creates a premature translational stop signal (p.Glu2479Aspfs*25) in the ATM gene. It is expected to result in an absent or disrupted protein product. Loss-of-function variants in ATM are known to be pathogenic (PMID: 23807571, 25614872). This variant is not present in population databases (gnomAD no frequency). This variant has not been reported in the literature in individuals affected with ATM-related conditions. ClinVar contains an entry for this variant (Variation ID: 2026948). For these reasons, this variant has been classified as Pathogenic.

Literature cited by the submitters: PubMed 23807571 (cited by Labcorp Genetics (formerly Invitae), Labcorp); PubMed 25614872 (cited by Labcorp Genetics (formerly Invitae), Labcorp).